The following is an entry in ClinVar:

NM_000088.4(COL1A1):c.3895T>A (p.Cys1299Ser)

Gene: COL1A1 (collagen type I alpha 1 chain; minus strand). Cytogenetic location: 17q21.33.
Variant type: single nucleotide variant.
Coding change: c.3895T>A on transcript NM_000088.4 (MANE Select); coding-DNA position 3895, T replaced by A.
Protein change: p.Cys1299Ser; replaces cysteine 1299 with serine.
Molecular consequence: missense variant.
Genome position (GRCh38, 1-based): chr17:50,186,427, A>T on the plus strand (T>A on the coding strand, the complement: COL1A1 is on the minus strand). VCF-style: chr17-50186427-A-T. GRCh37 (hg19) VCF-style: chr17-48263788-A-T.
Other names: short protein forms C1299S.
Identifiers: ClinVar variation 572138 (VCV000572138.9), dbSNP rs1567752383, ClinGen allele CA400193611.

ClinVar aggregate classification (germline): Uncertain significance (1 of 4 stars; one submission).

Conditions:
Osteogenesis imperfecta type I (OI1). Also called: Lobstein disease; Classic Non-deforming Osteogenesis Imperfecta with Blue Sclerae; Osteogenesis imperfecta type 1; Lobstein's Disease; OI, TYPE I; OSTEOGENESIS IMPERFECTA TARDA. Identifiers: Orphanet 216796, Orphanet 666, MedGen C0023931, MONDO:0008146, OMIM 166200. Disease mechanism: loss of function.

Submission:

Labcorp Genetics (formerly Invitae), Labcorp
Classification: Uncertain significance for Osteogenesis imperfecta type I. Last evaluated: 2018-06-28. Review status: criteria provided, single submitter. Criteria: Invitae Variant Classification Sherloc (09022015). Collection method: clinical testing. Allele origin: germline.
Comment: In summary, the available evidence is currently insufficient to determine the role of this variant in disease. Therefore, it has been classified as a Variant of Uncertain Significance. The observation of one or more missense substitutions at this codon (p.Cys1299Arg and p. Cys1299Trp) in affected individuals suggests that this may be a clinically significant residue (PMID: 26177859, 26371943, 11432962, 27509835). Algorithms developed to predict the effect of missense changes on protein structure and function are either unavailable or do not agree on the potential impact of this missense change (SIFT: "Deleterious"; PolyPhen-2: "Benign"; Align-GVGD: "Class C0"). This variant has not been reported in the literature in individuals with COL1A1-related disease. This variant is not present in population databases (ExAC no frequency). This sequence change replaces cysteine with serine at codon 1299 of the COL1A1 protein (p.Cys1299Ser). The cysteine residue is highly conserved and there is a moderate physicochemical difference between cysteine and serine.

Literature cited by the submitters: PubMed 26177859; PubMed 26371943; PubMed 11432962; PubMed 27509835.